The following is an entry in ClinVar:

NM_001128.6(AP1G1):c.7G>A (p.Ala3Thr)

Gene: AP1G1 (adaptor related protein complex 1 subunit gamma 1; minus strand). Cytogenetic location: 16q22.2.
Variant type: single nucleotide variant.
Coding change: c.7G>A on transcript NM_001128.6 (MANE Select); coding-DNA position 7, G replaced by A.
Protein change: p.Ala3Thr; replaces alanine 3 with threonine.
Molecular consequence: missense variant.
Genome position (GRCh38, 1-based): chr16:71,789,473, C>T on the plus strand (G>A on the coding strand, the complement: AP1G1 is on the minus strand). VCF-style: chr16-71789473-C-T. GRCh37 (hg19) VCF-style: chr16-71823376-C-T.
Other names: c.7G>A, p.Ala3Thr (NM_001030007.2); c.7G>A (NM_001030007.1); short protein forms A3T.
Identifiers: ClinVar variation 4535534 (VCV004535534.2).

ClinVar aggregate classification (germline): Uncertain significance. Review status: criteria provided, multiple submitters, no conflicts (2 of 4 stars). 2 submissions from 2 submitters: Uncertain significance (2). Last evaluated 2026-01-14.

Conditions:
AP1G1-related disorder. Also called: AP1G1-related condition.

gnomAD v4.1: 7 of 1,613,958 alleles (0.00043%); highest among the groups gnomAD compares: Admixed American, 0.0033%; no homozygotes.

Submissions (2):

PreventionGenetics, part of Exact Sciences
Classification: Uncertain significance for AP1G1-related condition. Last evaluated: 2026-01-14. Review status: criteria provided, single submitter. Criteria: ACMG Guidelines, 2015. Collection method: clinical testing. Allele origin: germline.
Comment: The AP1G1 c.7G>A variant is predicted to result in the amino acid substitution p.Ala3Thr. To our knowledge, this variant has not been reported in the literature or in a large population database (gnomAD), indicating this variant is rare. At this time, the clinical significance of this variant is uncertain due to the absence of conclusive functional and genetic evidence.

Women's Health and Genetics/Laboratory Corporation of America, LabCorp
Classification: Uncertain significance. Last evaluated: 2025-09-15. Review status: criteria provided, single submitter. Criteria: LabCorp Variant Classification Summary - May 2015. Collection method: clinical testing. Allele origin: germline.
Comment: Variant summary: AP1G1 c.7G>A (p.Ala3Thr) results in a non-conservative amino acid change in the encoded protein sequence. Algorithms developed to predict the effect of missense changes on protein structure and function are either unavailable or do not agree on the potential impact of this missense change. The variant was absent in 251382 control chromosomes. The available data on variant occurrences in the general population are insufficient to allow any conclusion about variant significance. To our knowledge, no occurrence of c.7G>A in individuals affected with AP1G1-related conditions and no experimental evidence demonstrating its impact on protein function have been reported. No submitters have cited clinical-significance assessments for this variant to ClinVar. Based on the evidence outlined above, the variant was classified as uncertain significance.